The following is an entry in ClinVar:

NM_020884.7(MYH7B):c.4849G>A (p.Glu1617Lys)

Gene: MYH7B (myosin heavy chain 7B; plus strand). Cytogenetic location: 20q11.22.
Variant type: single nucleotide variant.
Coding change: c.4849G>A on transcript NM_020884.7 (MANE Select); coding-DNA position 4849, G replaced by A.
Protein change: p.Glu1617Lys; replaces glutamic acid 1617 with lysine.
Molecular consequence: missense variant.
Genome position (GRCh38, 1-based): chr20:35,000,360, G>A. VCF-style: chr20-35000360-G-A. GRCh37 (hg19) VCF-style: chr20-33588163-G-A.
Other names: short protein forms E1617K.
Identifiers: ClinVar variation 3647583 (VCV003647583.2).

ClinVar aggregate classification (germline): Uncertain significance (1 of 4 stars; one submission).

Submission:

Labcorp Genetics (formerly Invitae), Labcorp
Classification: Uncertain significance. Last evaluated: 2024-03-25. Review status: criteria provided, single submitter. Criteria: Invitae Variant Classification Sherloc (09022015). Collection method: clinical testing. Allele origin: germline.
Comment: This sequence change replaces glutamic acid, which is acidic and polar, with lysine, which is basic and polar, at codon 1659 of the MYH7B protein (p.Glu1659Lys). This variant is not present in population databases (gnomAD no frequency). This variant has not been reported in the literature in individuals affected with MYH7B-related conditions. Advanced modeling of protein sequence and biophysical properties (such as structural, functional, and spatial information, amino acid conservation, physicochemical variation, residue mobility, and thermodynamic stability) performed at Invitae indicates that this missense variant is not expected to disrupt MYH7B protein function with a negative predictive value of 80%. In summary, the available evidence is currently insufficient to determine the role of this variant in disease. Therefore, it has been classified as a Variant of Uncertain Significance.